The following is an entry in ClinVar:

NM_003906.5(MCM3AP):c.3940C>T (p.Arg1314Trp)

Gene: MCM3AP (minichromosome maintenance complex component 3 associated protein; minus strand). Cytogenetic location: 21q22.3.
Variant type: single nucleotide variant.
Coding change: c.3940C>T on transcript NM_003906.5 (MANE Select); coding-DNA position 3940, C replaced by T.
Protein change: p.Arg1314Trp; replaces arginine 1314 with tryptophan.
Molecular consequence: missense variant.
Genome position (GRCh38, 1-based): chr21:46,254,837, G>A on the plus strand (C>T on the coding strand, the complement: MCM3AP is on the minus strand). VCF-style: chr21-46254837-G-A. GRCh37 (hg19) VCF-style: chr21-47674751-G-A.
Other names: p.Arg1314Trp; short protein forms R1314W.
Identifiers: ClinVar variation 725171 (VCV000725171.54), dbSNP rs17176709, ClinGen allele CA10076309.

ClinVar aggregate classification (germline): Likely benign. Review status: criteria provided, multiple submitters, no conflicts (2 of 4 stars). 6 submissions from 6 submitters: Likely benign (5). 1 of the submissions does not count toward it. Last evaluated 2026-01-25.

Conditions:
MCM3AP-related disorder. Also called: MCM3AP-related condition.

Allele frequency attached by ClinVar (database versions not stated): 1000 Genomes Project 30x 0.00047; 1000 Genomes Project 0.00060; TOPMed 0.00105; gnomAD 0.00127 and 0.00138; gnomAD exomes 0.00162 and 0.00169; ESP Exome Variant Server 0.00185; ExAC 0.00223.
gnomAD v4.1: 2,540 of 1,613,614 alleles (0.16%); highest among the groups gnomAD compares: Non-Finnish European, 0.19%; 3 homozygotes.

Submissions (12):

Labcorp Genetics (formerly Invitae), Labcorp
Classification: Likely benign. Last evaluated: 2026-01-25. Review status: criteria provided, single submitter. Criteria: Invitae Variant Classification Sherloc (09022015). Collection method: clinical testing. Allele origin: germline.

Mayo Clinic Laboratories, Mayo Clinic
Classification: Likely benign. Last evaluated: 2025-04-08. Review status: criteria provided, single submitter. Criteria: ACMG Guidelines, 2015. Collection method: clinical testing. Allele origin: germline. Observed: 3 variant alleles.
Comment: BS1, BP4

CeGaT Center for Human Genetics Tuebingen
Classification: Likely benign. Last evaluated: 2025-02-01. Review status: criteria provided, single submitter. Criteria: CeGaT Center For Human Genetics Tuebingen Variant Classification Criteria Version 2. Collection method: clinical testing. Allele origin: germline. Affected: yes. Observed: 4 variant alleles.
Comment: MCM3AP: BP4

Blueprint Genetics
Classification: Likely benign. Last evaluated: 2024-11-18. Review status: criteria provided, single submitter. Criteria: ACMG Guidelines, 2015. Collection method: clinical testing. Allele origin: germline.

Breakthrough Genomics
Classification: Likely benign. Review status: criteria provided, single submitter. Criteria: ACMG Guidelines, 2015. Collection method: not provided. Allele origin: germline. Inheritance: Autosomal recessive inheritance. Affected: yes.

PreventionGenetics, part of Exact Sciences
Classification: Likely benign for MCM3AP-related condition. Last evaluated: 2023-03-20. Review status: no assertion criteria provided. Collection method: clinical testing. Allele origin: germline. Not counted in ClinVar's aggregate classification.
Comment: This variant is classified as likely benign based on ACMG/AMP sequence variant interpretation guidelines (Richards et al. 2015 PMID: 25741868, with internal and published modifications).

Dr. Peter K. Rogan Lab, Western University
No classification provided (evidence only). Condition: Lung cancer. Review status: no classification provided. Collection method: in vitro. Allele origin: not applicable. Functional consequence: retained intron. Not counted in ClinVar's aggregate classification.

Dr. Peter K. Rogan Lab, Western University
No classification provided (evidence only). Condition: Colon adenocarcinoma. Review status: no classification provided. Collection method: in vitro. Allele origin: not applicable. Functional consequence: retained intron. Not counted in ClinVar's aggregate classification.

Dr. Peter K. Rogan Lab, Western University
No classification provided (evidence only). Condition: Hepatocellular carcinoma. Review status: no classification provided. Collection method: in vitro. Allele origin: not applicable. Functional consequence: retained intron. Not counted in ClinVar's aggregate classification.

Dr. Peter K. Rogan Lab, Western University
No classification provided (evidence only). Condition: Gastric cancer. Review status: no classification provided. Collection method: in vitro. Allele origin: not applicable. Functional consequence: retained intron. Not counted in ClinVar's aggregate classification.

Dr. Peter K. Rogan Lab, Western University
No classification provided (evidence only). Condition: Uveal melanoma. Review status: no classification provided. Collection method: in vitro. Allele origin: not applicable. Functional consequence: retained intron. Not counted in ClinVar's aggregate classification.

Dr. Peter K. Rogan Lab, Western University
No classification provided (evidence only). Condition: Uveal melanoma. Review status: no classification provided. Collection method: in vitro. Allele origin: not applicable. Functional consequence: retained intron. Not counted in ClinVar's aggregate classification.